The following is an entry in ClinVar:

ClinVar aggregate classification (germline): Likely pathogenic (1 of 4 stars; one submission).

Conditions:
Mucopolysaccharidosis, MPS-III-C (MPS3C). Also called: SANFILIPPO SYNDROME C; MPS III C; mucopolysaccharidosis type 3C; MPS IIIC (Sanfilippo Syndrome Type C); MUCOPOLYSACCHARIDOSIS, TYPE IIIC; Mucopolysaccharidosis type IIIC (Sanfilippo C). Identifiers: Orphanet 581, Orphanet 79271, MedGen C0086649, MONDO:0009657, OMIM 252930.

gnomAD v4.1: 3 of 1,588,356 alleles (0.00019%); highest among the groups gnomAD compares: South Asian, 0.0011%; no homozygotes.

Submission:

Natera, Inc.
Classification: Likely pathogenic for Mucopolysaccharidosis type IIIC. Last evaluated: 2025-05-12. Review status: criteria provided, single submitter. Criteria: Natera Variant Classification Schema (03/2026). Collection method: clinical testing. Allele origin: germline.
Comment: The c.743+1G>T variant in HGSNAT is a canonical splice donor site variant predicted to affect pre-mRNA splicing, which may result in an abnormal transcript and altered protein product. This variant is expected to result in nonsense mediated decay, truncation, or a dysfunctional protein product. This variant is rare in the general population with a frequency below the threshold expected for the associated phenotype(s). Given the available evidence, this variant is classified as Likely Pathogenic.

NM_152419.3(HGSNAT):c.743+1G>T

Gene: HGSNAT (heparan-alpha-glucosaminide N-acetyltransferase; plus strand). Cytogenetic location: 8p11.21.
Variant type: single nucleotide variant.
Coding change: c.743+1G>T on transcript NM_152419.3 (MANE Select); the canonical splice donor site of the intron after coding-DNA position 743, G replaced by T.
Molecular consequence: splice donor variant.
Genome position (GRCh38, 1-based): chr8:43,170,695, G>T. VCF-style: chr8-43170695-G-T. GRCh37 (hg19) VCF-style: chr8-43025838-G-T.
Other names: c.743+1G>T (NM_001363227.2, NM_001363228.2); c.-91+1G>T (NM_001363229.2).
Identifiers: ClinVar variation 4069278 (VCV004069278.2).
Genomic context (GRCh38, chr8:43,170,695, plus strand): 5'-AGCAACGTGGCGTCTATCTGCCCTGCCGCCCCGCCTCCGCAGCGTGGACACCTTCAGGGG[G>T]TATGTGGGCCTCCCTGTAGCACAGTGGGTGCAGGTAGTCACAGGACTACATAATTGTACA-3'